The following is an entry in ClinVar:

ClinVar aggregate classification (germline): Pathogenic (1 of 4 stars; one submission).

Conditions:
Mucolipidosis type II. Also called: ML II ALPHA/BETA; Mucolipidosis 2; ML 2; Inclusion cell disease; Leroy Disease; N-acetylglucosamine 1phosphotransferase deficiency. Identifiers: Orphanet 576, MedGen C2673377, MONDO:0009650, OMIM 252500.

Submission:

Center for Human Genetics and Genomic Medicine, Uniklinik Rwth Aachen
Classification: Pathogenic for Mucolipidosis type II. Last evaluated: 2023-12-07. Review status: criteria provided, single submitter. Criteria: ACMG Guidelines, 2015. Collection method: clinical testing. Allele origin: germline. Inheritance: Autosomal recessive inheritance. Affected: yes. Observed: 1 compound heterozygote.
Comment: The variant is absent from controls and has not been reported to online databases (ClinVar, gnomAD, dbSNP). The variante creates a Nonsense coding effect by creating a premature stop codon. The mRNA might be targeted for NMD. ACMG criteria are PVS1, PM2, PM3, PP3. The variant meets the criteria to be classified as pathogenic.

NM_024312.5(GNPTAB):c.1342A>T (p.Lys448Ter)

Gene: GNPTAB (N-acetylglucosamine-1-phosphate transferase subunits alpha and beta; minus strand). Cytogenetic location: 12q23.2.
Variant type: single nucleotide variant.
Coding change: c.1342A>T on transcript NM_024312.5 (MANE Select); coding-DNA position 1342, A replaced by T.
Protein change: p.Lys448Ter; replaces lysine 448 with a stop codon.
Molecular consequence: nonsense.
Genome position (GRCh38, 1-based): chr12:101,768,103, T>A on the plus strand (A>T on the coding strand, the complement: GNPTAB is on the minus strand). VCF-style: chr12-101768103-T-A. GRCh37 (hg19) VCF-style: chr12-102161881-T-A.
Other names: short protein forms K448*.
Identifiers: ClinVar variation 3068517 (VCV003068517.2), dbSNP rs2547959783, ClinGen allele CA386301964.
Genomic context (GRCh38, chr12:101,768,103, plus strand): 5'-AATCCCCACCATCCCAATCGCAGGCTGAATTATTACAAGCCTTGTCACAATAGCCATCCT[T>A]AATCCAGGAACCTGGGCAGCCCTCGGCACAGTTTGGCACAGGCCATGTCAAATAAACCTA-3'